The following is an entry in ClinVar:

NM_004360.5(CDH1):c.2376G>C (p.Met792Ile)

Gene: CDH1 (cadherin 1; plus strand). Cytogenetic location: 16q22.1.
Variant type: single nucleotide variant.
Coding change: c.2376G>C on transcript NM_004360.5 (MANE Select); coding-DNA position 2376, G replaced by C.
Protein change: p.Met792Ile; replaces methionine 792 with isoleucine.
Molecular consequence: missense variant.
Genome position (GRCh38, 1-based): chr16:68,829,734, G>C. VCF-style: chr16-68829734-G-C. GRCh37 (hg19) VCF-style: chr16-68863637-G-C.
Other names: c.2193G>C, p.Met731Ile (NM_001317184.2); c.828G>C, p.Met276Ile (NM_001317185.2); c.411G>C, p.Met137Ile (NM_001317186.2); c.2376G>C (LRG_301t1); short protein forms M731I, M137I, M276I, M792I.
Identifiers: ClinVar variation 650210 (VCV000650210.13), dbSNP rs1596972662, ClinGen allele CA396471109.

ClinVar aggregate classification (germline): Conflicting classifications of pathogenicity. Review status: criteria provided, conflicting classifications (1 of 4 stars). 2 submissions from 2 submitters: Uncertain significance (1); Likely benign (1). Last evaluated 2026-06-26.

Conditions:
Hereditary cancer-predisposing syndrome. Also called: Neoplastic Syndromes, Hereditary; Hereditary Cancer Syndrome; Hereditary neoplastic syndrome; Tumor predisposition. Identifiers: Orphanet 140162, MedGen C0027672, MeSH D009386, MONDO:0015356.
Hereditary diffuse gastric adenocarcinoma (HDGC). Also called: DIFFUSE GASTRIC AND LOBULAR BREAST CANCER SYNDROME. Identifiers: Orphanet 26106, MedGen C1708349, MONDO:0007648, OMIM 137215.

Submissions (2):

Ambry Genetics
Classification: Likely benign for Hereditary cancer-predisposing syndrome. Last evaluated: 2026-06-26. Review status: criteria provided, single submitter. Criteria: Ambry Variant Classification Scheme 2023. Collection method: clinical testing. Allele origin: germline.

Labcorp Genetics (formerly Invitae), Labcorp
Classification: Uncertain significance for Hereditary diffuse gastric adenocarcinoma. Last evaluated: 2022-11-20. Review status: criteria provided, single submitter. Criteria: Invitae Variant Classification Sherloc (09022015). Collection method: clinical testing. Allele origin: germline.
Comment: This sequence change replaces methionine, which is neutral and non-polar, with isoleucine, which is neutral and non-polar, at codon 792 of the CDH1 protein (p.Met792Ile). This variant is not present in population databases (gnomAD no frequency). This variant has not been reported in the literature in individuals affected with CDH1-related conditions. ClinVar contains an entry for this variant (Variation ID: 650210). Algorithms developed to predict the effect of missense changes on protein structure and function (SIFT, PolyPhen-2, Align-GVGD) all suggest that this variant is likely to be tolerated. In summary, the available evidence is currently insufficient to determine the role of this variant in disease. Therefore, it has been classified as a Variant of Uncertain Significance.